The following is an entry in ClinVar:

ClinVar aggregate classification (germline): Uncertain significance (1 of 4 stars; one submission).

Conditions:
Neurofibromatosis, type 1 (NF1). Also called: Neurofibromatosis, type I; VON RECKLINGHAUSEN DISEASE; Peripheral type neurofibromatosis; NEUROFIBROMATOSIS, TYPE I, SOMATIC. Identifiers: Orphanet 636, MedGen C0027831, MONDO:0018975, OMIM 162200. Disease mechanism: loss of function.

Submission:

Labcorp Genetics (formerly Invitae), Labcorp
Classification: Uncertain significance for Neurofibromatosis, type 1. Last evaluated: 2023-05-22. Review status: criteria provided, single submitter. Criteria: Invitae Variant Classification Sherloc (09022015). Collection method: clinical testing. Allele origin: germline.
Comment: This variant has not been reported in the literature in individuals affected with NF1-related conditions. This sequence change falls in intron 16 of the NF1 gene. It does not directly change the encoded amino acid sequence of the NF1 protein. It affects a nucleotide within the consensus splice site. This variant is not present in population databases (gnomAD no frequency). ClinVar contains an entry for this variant (Variation ID: 853611). Variants that disrupt the consensus splice site are a relatively common cause of aberrant splicing (PMID: 17576681, 9536098). Algorithms developed to predict the effect of sequence changes on RNA splicing suggest that this variant may disrupt the consensus splice site. In summary, the available evidence is currently insufficient to determine the role of this variant in disease. Therefore, it has been classified as a Variant of Uncertain Significance.

Literature cited by the submitters: PubMed 17576681; PubMed 9536098.

NM_001042492.3(NF1):c.1845+3A>C

Gene: NF1 (neurofibromin 1; plus strand). Cytogenetic location: 17q11.2.
Variant type: single nucleotide variant.
Coding change: c.1845+3A>C on transcript NM_001042492.3 (MANE Select); 3 bases into the intron after coding-DNA position 1845, A replaced by C.
Molecular consequence: intron variant.
Genome position (GRCh38, 1-based): chr17:31,223,570, A>C. VCF-style: chr17-31223570-A-C. GRCh37 (hg19) VCF-style: chr17-29550588-A-C.
Other names: c.1845+3A>C (NM_000267.4).
Identifiers: ClinVar variation 853611 (VCV000853611.6), dbSNP rs2066964401, ClinGen allele CA916080576.